The following is an entry in ClinVar:

ClinVar aggregate classification (germline): Uncertain significance (1 of 4 stars; one submission).

Conditions:
Ehlers-Danlos syndrome, kyphoscoliotic type, 2. Also called: Ehlers-Danlos syndrome with progressive kyphoscoliosis, myopathy, and hearing loss; Ehlers-Danlos syndrome, kyphoscoliotic and deafness type; FKBP14-Kyphoscoliotic Ehlers-Danlos Syndrome. Identifiers: Orphanet 300179, MedGen C3281160, MONDO:0013800, OMIM 614557.

Allele frequency attached by ClinVar (database versions not stated): gnomAD 0.00001.
gnomAD v4.1: 3 of 1,594,156 alleles (0.00019%); highest among the groups gnomAD compares: African/African-American, 0.0014%; no homozygotes.

Submission:

Labcorp Genetics (formerly Invitae), Labcorp
Classification: Uncertain significance for Ehlers-Danlos syndrome, kyphoscoliotic type, 2. Last evaluated: 2022-06-13. Review status: criteria provided, single submitter. Criteria: Invitae Variant Classification Sherloc (09022015). Collection method: clinical testing. Allele origin: germline.
Comment: In summary, the available evidence is currently insufficient to determine the role of this variant in disease. Therefore, it has been classified as a Variant of Uncertain Significance. Algorithms developed to predict the effect of missense changes on protein structure and function are either unavailable or do not agree on the potential impact of this missense change (SIFT: "Deleterious"; PolyPhen-2: "Probably Damaging"; Align-GVGD: "Class C0"). ClinVar contains an entry for this variant (Variation ID: 1037889). This variant has not been reported in the literature in individuals affected with FKBP14-related conditions. This variant is not present in population databases (gnomAD no frequency). This sequence change replaces glutamic acid, which is acidic and polar, with lysine, which is basic and polar, at codon 167 of the FKBP14 protein (p.Glu167Lys).

NM_017946.4(FKBP14):c.499G>A (p.Glu167Lys)

Genes: FKBP14 (FKBP prolyl isomerase 14; minus strand), FKBP14-AS1 (FKBP14 antisense RNA 1; plus strand). Cytogenetic location: 7p14.3.
Variant type: single nucleotide variant.
Coding change: c.499G>A on transcript NM_017946.4 (MANE Select); coding-DNA position 499, G replaced by A.
Protein change: p.Glu167Lys; replaces glutamic acid 167 with lysine.
Molecular consequence: missense variant. On other transcripts: non-coding transcript variant (2).
Genome position (GRCh38, 1-based): chr7:30,014,872, C>T on the plus strand (G>A on the coding strand, the complement: FKBP14 is on the minus strand). VCF-style: chr7-30014872-C-T. GRCh37 (hg19) VCF-style: chr7-30054488-C-T.
Other names: short protein forms E167K.
Identifiers: ClinVar variation 1037889 (VCV001037889.9), dbSNP rs537455755, ClinGen allele CA155998205.